The following is an entry in ClinVar:

ClinVar aggregate classification (germline): Uncertain significance (1 of 4 stars; one submission).

Submission:

Labcorp Genetics (formerly Invitae), Labcorp
Classification: Uncertain significance. Last evaluated: 2024-05-29. Review status: criteria provided, single submitter. Criteria: Invitae Variant Classification Sherloc (09022015). Collection method: clinical testing. Allele origin: germline.
Comment: This sequence change replaces alanine, which is neutral and non-polar, with glutamic acid, which is acidic and polar, at codon 461 of the CYP27B1 protein (p.Ala461Glu). This variant is not present in population databases (gnomAD no frequency). This variant has not been reported in the literature in individuals affected with CYP27B1-related conditions. Advanced modeling of protein sequence and biophysical properties (such as structural, functional, and spatial information, amino acid conservation, physicochemical variation, residue mobility, and thermodynamic stability) performed at Invitae indicates that this missense variant is expected to disrupt CYP27B1 protein function with a positive predictive value of 80%. In summary, the available evidence is currently insufficient to determine the role of this variant in disease. Therefore, it has been classified as a Variant of Uncertain Significance.

NM_000785.4(CYP27B1):c.1382C>A (p.Ala461Glu)

Gene: CYP27B1 (cytochrome P450 family 27 subfamily B member 1; minus strand). Cytogenetic location: 12q14.1.
Variant type: single nucleotide variant.
Coding change: c.1382C>A on transcript NM_000785.4 (MANE Select); coding-DNA position 1382, C replaced by A.
Protein change: p.Ala461Glu; replaces alanine 461 with glutamic acid.
Molecular consequence: missense variant.
Genome position (GRCh38, 1-based): chr12:57,763,642, G>T on the plus strand (C>A on the coding strand, the complement: CYP27B1 is on the minus strand). VCF-style: chr12-57763642-G-T. GRCh37 (hg19) VCF-style: chr12-58157425-G-T.
Other names: short protein forms A461E.
Identifiers: ClinVar variation 2808964 (VCV002808964.3), dbSNP rs2540915012, ClinGen allele CA385500728.